The following is an entry in ClinVar:

NM_201548.5(CERKL):c.755G>C (p.Gly252Ala)

Gene: CERKL (CERK like autophagy regulator; minus strand). Cytogenetic location: 2q31.3.
Variant type: single nucleotide variant.
Coding change: c.755G>C on transcript NM_201548.5 (MANE Select); coding-DNA position 755, G replaced by C.
Protein change: p.Gly252Ala; replaces glycine 252 with alanine.
Molecular consequence: missense variant. On other transcripts: non-coding transcript variant (2), intron variant (2).
Genome position (GRCh38, 1-based): chr2:181,558,631, C>G on the plus strand (G>C on the coding strand, the complement: CERKL is on the minus strand). VCF-style: chr2-181558631-C-G. GRCh37 (hg19) VCF-style: chr2-182423358-C-G.
Other names: c.833G>C, p.Gly278Ala (NM_001030311.3); c.*37G>C (NM_001030314.1, NM_001030315.1); c.701G>C, p.Gly234Ala (NM_001160277.2); c.482-8923G>C (NM_001030312.3); c.614-8923G>C (NM_001030313.3); short protein forms G234A, G278A, G252A.
Identifiers: ClinVar variation 2013771 (VCV002013771.4), dbSNP rs1425736542, ClinGen allele CA349740556.

ClinVar aggregate classification (germline): Uncertain significance (1 of 4 stars; one submission).

Submission:

Labcorp Genetics (formerly Invitae), Labcorp
Classification: Uncertain significance. Last evaluated: 2023-05-23. Review status: criteria provided, single submitter. Criteria: Invitae Variant Classification Sherloc (09022015). Collection method: clinical testing. Allele origin: germline.
Comment: This sequence change replaces glycine, which is neutral and non-polar, with alanine, which is neutral and non-polar, at codon 278 of the CERKL protein (p.Gly278Ala). This variant is not present in population databases (gnomAD no frequency). This variant has not been reported in the literature in individuals affected with CERKL-related conditions. ClinVar contains an entry for this variant (Variation ID: 2013771). Advanced modeling of protein sequence and biophysical properties (such as structural, functional, and spatial information, amino acid conservation, physicochemical variation, residue mobility, and thermodynamic stability) performed at Invitae indicates that this missense variant is not expected to disrupt CERKL protein function. Algorithms developed to predict the effect of sequence changes on RNA splicing suggest that this variant may create or strengthen a splice site. In summary, the available evidence is currently insufficient to determine the role of this variant in disease. Therefore, it has been classified as a Variant of Uncertain Significance.